The following is an entry in ClinVar:

NM_001308093.3(GATA4):c.15G>A (p.Leu5=)

Gene: GATA4 (GATA binding protein 4). Cytogenetic location: 8p23.1.
Variant type: single nucleotide variant.
Coding change: c.15G>A on transcript NM_001308093.3 (MANE Select); coding-DNA position 15, G replaced by A.
Protein change: p.Leu5=; no amino-acid change (leucine 5 retained).
Molecular consequence: synonymous variant. On other transcripts: intron variant (3).
Genome position (GRCh38, 1-based): chr8:11,708,327, G>A. VCF-style: chr8-11708327-G-A. GRCh37 (hg19) VCF-style: chr8-11565836-G-A.
Other names: c.15G>A, p.Leu5= (NM_002052.5); c.-6+7549G>A (NM_001308094.2); c.-3+313G>A (NM_001374274.1); c.-3+4023G>A (NM_001374273.1).
Identifiers: ClinVar variation 1194176 (VCV001194176.12), dbSNP rs55635838, ClinGen allele CA4630589.
Genomic context (GRCh38, chr8:11,708,327, plus strand): 5'-CTGCGAGGGAGAGAGAGGACACCGAAGCCGGGAGCTCGCAGGGACCATGTATCAGAGCTT[G>A]GCCATGGCCGCCAACCACGGGCCGCCCCCCGGTGCCTACGAGGCGGGCGGCCCCGGCGCC-3'
Protein context (NP_001295022.1, residues 1-15): MYQS[Leu5=]AMAANHGPPP

ClinVar aggregate classification (germline): Likely benign. Review status: criteria provided, multiple submitters, no conflicts (2 of 4 stars). 3 submissions from 3 submitters: Likely benign (3). Last evaluated 2025-12-24.

Conditions:
Cardiovascular phenotype. Identifiers: MedGen CN230736.
Atrioventricular septal defect 4 (AVSD4). Identifiers: MedGen C3280781, MONDO:0013747, OMIM 614430.

Allele frequency attached by ClinVar (database versions not stated): ExAC 0.00002; gnomAD exomes 0.00001 and 0.00002; gnomAD 0.00009 and 0.00010.
gnomAD v4.1: 24 of 1,584,632 alleles (0.0015%); highest among the groups gnomAD compares: African/African-American, 0.031%; no homozygotes.

Submissions (3):

Labcorp Genetics (formerly Invitae), Labcorp
Classification: Likely benign for Atrioventricular septal defect 4. Last evaluated: 2025-12-24. Review status: criteria provided, single submitter. Criteria: Invitae Variant Classification Sherloc (09022015). Collection method: clinical testing. Allele origin: germline.

Ambry Genetics
Classification: Likely benign for Cardiovascular phenotype. Last evaluated: 2022-10-27. Review status: criteria provided, single submitter. Criteria: Ambry Variant Classification Scheme 2023. Collection method: clinical testing. Allele origin: germline.

GeneDx
Classification: Likely benign. Last evaluated: 2020-12-10. Review status: criteria provided, single submitter. Criteria: GeneDx Variant Classification Process June 2021. Collection method: clinical testing. Allele origin: germline. Affected: yes.
Comment: This variant is associated with the following publications: (PMID: 18055909)